The following is an entry in ClinVar:

NM_001042492.3(NF1):c.3076A>G (p.Arg1026Gly)

Gene: NF1 (neurofibromin 1; plus strand). Cytogenetic location: 17q11.2.
Variant type: single nucleotide variant.
Coding change: c.3076A>G on transcript NM_001042492.3 (MANE Select); coding-DNA position 3076, A replaced by G.
Protein change: p.Arg1026Gly; replaces arginine 1026 with glycine.
Molecular consequence: missense variant.
Genome position (GRCh38, 1-based): chr17:31,230,345, A>G. VCF-style: chr17-31230345-A-G. GRCh37 (hg19) VCF-style: chr17-29557363-A-G.
Other names: c.3076A>G, p.Arg1026Gly (NM_000267.4); short protein forms R1026G.
Identifiers: ClinVar variation 4022191 (VCV004022191.1).

ClinVar aggregate classification (germline): Uncertain significance (1 of 4 stars; one submission).

Conditions:
Cardiovascular phenotype. Identifiers: MedGen CN230736.
Hereditary cancer-predisposing syndrome. Also called: Tumor predisposition; Hereditary neoplastic syndrome; Neoplastic Syndromes, Hereditary; Hereditary Cancer Syndrome. Identifiers: Orphanet 140162, MedGen C0027672, MeSH D009386, MONDO:0015356.

Submission:

Ambry Genetics
Classification: Uncertain significance for Cardiovascular phenotype; Hereditary cancer-predisposing syndrome. Last evaluated: 2025-05-01. Review status: criteria provided, single submitter. Criteria: Ambry Variant Classification Scheme 2023. Collection method: clinical testing. Allele origin: germline.
Comment: The p.R1026G variant (also known as c.3076A>G), located in coding exon 23 of the NF1 gene, results from an A to G substitution at nucleotide position 3076. The arginine at codon 1026 is replaced by glycine, an amino acid with dissimilar properties. This alteration was not observed in unselected male breast cancer patients and was observed with an allele frequency of 0.0001 in 12,490 male controls of Japanese ancestry (Momozawa Y et al. Nat Commun, 2018 Oct;9:4083). This amino acid position is well conserved in available vertebrate species. In addition, the in silico prediction for this alteration is inconclusive. Based on the available evidence, the clinical significance of this variant remains unclear.

Literature cited by the submitters: PubMed 30287823.